The following is an entry in ClinVar:

ClinVar aggregate classification (germline): Pathogenic (1 of 4 stars; one submission).

Submission:

Labcorp Genetics (formerly Invitae), Labcorp
Classification: Pathogenic. Last evaluated: 2024-02-09. Review status: criteria provided, single submitter. Criteria: Invitae Variant Classification Sherloc (09022015). Collection method: clinical testing. Allele origin: germline.
Comment: This sequence change creates a premature translational stop signal (p.Glu332Aspfs*5) in the DONSON gene. It is expected to result in an absent or disrupted protein product. Loss-of-function variants in DONSON are known to be pathogenic (PMID: 28191891, 28630177). This variant is not present in population databases (gnomAD no frequency). This variant has not been reported in the literature in individuals affected with DONSON-related conditions. Algorithms developed to predict the effect of sequence changes on RNA splicing suggest that this variant may disrupt the consensus splice site. For these reasons, this variant has been classified as Pathogenic.

Literature cited by the submitters: PubMed 28191891; PubMed 28630177.

NM_017613.4(DONSON):c.995_996insT (p.Glu332fs)

Gene: DONSON (DNA replication fork stabilization factor DONSON; minus strand). Cytogenetic location: 21q22.11.
Variant type: Insertion.
Coding change: c.995_996insT on transcript NM_017613.4 (MANE Select); coding-DNA positions 995 to 996, T inserted.
Protein change: p.Glu332fs; shifts the reading frame from glutamic acid 332.
Molecular consequence: frameshift variant.
Genome position: GRCh38 VCF-style: chr21-33582215-T-TA. GRCh37 (hg19) VCF-style: chr21-34954521-T-TA.
Other names: short protein forms E332fs.
Identifiers: ClinVar variation 3638160 (VCV003638160.2).